The following is an entry in ClinVar:

NM_001142800.2(EYS):c.7666A>G (p.Ser2556Gly)

Gene: EYS (eyes shut homolog; minus strand). Cytogenetic location: 6q12.
Variant type: single nucleotide variant.
Coding change: c.7666A>G on transcript NM_001142800.2 (MANE Select); coding-DNA position 7666, A replaced by G.
Protein change: p.Ser2556Gly; replaces serine 2556 with glycine.
Molecular consequence: missense variant.
Genome position (GRCh38, 1-based): chr6:63,788,162, T>C on the plus strand (A>G on the coding strand, the complement: EYS is on the minus strand). VCF-style: chr6-63788162-T-C. GRCh37 (hg19) VCF-style: chr6-64498055-T-C.
Other names: c.7666A>G, p.Ser2556Gly (NM_001292009.2); short protein forms S2556G.
Identifiers: ClinVar variation 2180724 (VCV002180724.1), dbSNP rs66462731, ClinGen allele CA140243939.

ClinVar aggregate classification (germline): Uncertain significance (1 of 4 stars; one submission).

gnomAD v4.1: 17 of 1,549,120 alleles (0.0011%); highest among the groups gnomAD compares: Non-Finnish European, 0.0015%; no homozygotes.

Submission:

Labcorp Genetics (formerly Invitae), Labcorp
Classification: Uncertain significance. Last evaluated: 2022-06-03. Review status: criteria provided, single submitter. Criteria: Invitae Variant Classification Sherloc (09022015). Collection method: clinical testing. Allele origin: germline.
Comment: This sequence change replaces serine, which is neutral and polar, with glycine, which is neutral and non-polar, at codon 2556 of the EYS protein (p.Ser2556Gly). This variant is present in population databases (no rsID available, gnomAD 0.002%). This variant has not been reported in the literature in individuals affected with EYS-related conditions. Algorithms developed to predict the effect of missense changes on protein structure and function output the following: SIFT: "Tolerated"; PolyPhen-2: "Benign"; Align-GVGD: "Class C0". The glycine amino acid residue is found in multiple mammalian species, which suggests that this missense change does not adversely affect protein function. In summary, the available evidence is currently insufficient to determine the role of this variant in disease. Therefore, it has been classified as a Variant of Uncertain Significance.